The following is an entry in ClinVar:

ClinVar aggregate classification (germline): Likely benign (1 of 4 stars; one submission).

gnomAD v4.1: 11 of 1,491,540 alleles (0.00074%); highest among the groups gnomAD compares: African/African-American, 0.0016%; no homozygotes.

Submission:

CeGaT Center for Human Genetics Tuebingen
Classification: Likely benign. Last evaluated: 2026-04-01. Review status: criteria provided, single submitter. Criteria: CeGaT Center For Human Genetics Tuebingen Variant Classification Criteria Version 2. Collection method: clinical testing. Allele origin: germline. Affected: yes. Observed: 1 variant allele.
Comment: MUC12: BP4, BP7

NM_001164462.2(MUC12):c.13830C>T (p.Gly4610=)

Gene: MUC12 (mucin 12, cell surface associated; plus strand). Cytogenetic location: 7q22.1.
Variant type: single nucleotide variant.
Coding change: c.13830C>T on transcript NM_001164462.2 (MANE Select); coding-DNA position 13830, C replaced by T.
Protein change: p.Gly4610=; no amino-acid change (glycine 4610 retained).
Molecular consequence: synonymous variant.
Genome position (GRCh38, 1-based): chr7:101,004,393, C>T. VCF-style: chr7-101004393-C-T. GRCh37 (hg19) VCF-style: chr7-100647674-C-T.
Identifiers: ClinVar variation 4873489 (VCV004873489.2).